The following is an entry in ClinVar:

ClinVar aggregate classification (germline): Pathogenic (1 of 4 stars; one submission).

Submission:

Labcorp Genetics (formerly Invitae), Labcorp
Classification: Pathogenic. Last evaluated: 2020-05-23. Review status: criteria provided, single submitter. Criteria: Invitae Variant Classification Sherloc (09022015). Collection method: clinical testing. Allele origin: germline.
Comment: For these reasons, this variant has been classified as Pathogenic. Loss-of-function variants in CDH23 are known to be pathogenic (PMID: 11138009, 21940737). This variant has not been reported in the literature in individuals with CDH23-related conditions. This variant is a gross deletion of the genomic region encompassing exon(s) 2-38 of the CDH23 gene, which includes the initiator codon. The 5' end of this event is unknown as it extends beyond the assayed region for this gene and therefore may encompass additional genes. The 3' boundary is likely confined to intron 38 of the CDH23 gene. This is expected to result in an absent or disrupted protein product.

Literature cited by the submitters: PubMed 11138009; PubMed 21940737.

NC_000010.10:g.(?_73199579)_(73501688_?)del

Genes: C10orf105 (chromosome 10 open reading frame 105; minus strand), CDH23 (cadherin related 23; plus strand). Cytogenetic location: 10q22.1.
Variant type: Deletion.
Identifiers: ClinVar variation 1071393 (VCV001071393.5).